The following is an entry in ClinVar:

ClinVar aggregate classification (germline): Uncertain significance (1 of 4 stars; one submission).

Conditions:
Idiopathic generalized epilepsy. Also called: Generalised epilepsy; EIG. Identifiers: MedGen C0270850, MONDO:0005579, OMIM 600669.
Hyperaldosteronism, familial, type IV (HALD4). Also called: FH IV; ALDOSTERONISM, PRIMARY, AND HYPERTENSION. Identifiers: Orphanet 642671, MedGen C4310756, MONDO:0014875, OMIM 617027.

gnomAD v4.1: 9 of 1,550,690 alleles (0.00058%); highest among the groups gnomAD compares: Non-Finnish European, 0.00078%; no homozygotes.

Submission:

Labcorp Genetics (formerly Invitae), Labcorp
Classification: Uncertain significance for Idiopathic generalized epilepsy; Hyperaldosteronism, familial, type IV. Last evaluated: 2023-01-16. Review status: criteria provided, single submitter. Criteria: Invitae Variant Classification Sherloc (09022015). Collection method: clinical testing. Allele origin: germline.
Comment: In summary, the available evidence is currently insufficient to determine the role of this variant in disease. Therefore, it has been classified as a Variant of Uncertain Significance. Advanced modeling of protein sequence and biophysical properties (such as structural, functional, and spatial information, amino acid conservation, physicochemical variation, residue mobility, and thermodynamic stability) performed at Invitae indicates that this missense variant is not expected to disrupt CACNA1H protein function. This variant has not been reported in the literature in individuals affected with CACNA1H-related conditions. This variant is not present in population databases (gnomAD no frequency). This sequence change replaces leucine, which is neutral and non-polar, with valine, which is neutral and non-polar, at codon 1252 of the CACNA1H protein (p.Leu1252Val).

NM_021098.3(CACNA1H):c.3754C>G (p.Leu1252Val)

Gene: CACNA1H (calcium voltage-gated channel subunit alpha1 H; plus strand). Cytogenetic location: 16p13.3.
Variant type: single nucleotide variant.
Coding change: c.3754C>G on transcript NM_021098.3 (MANE Select); coding-DNA position 3754, C replaced by G.
Protein change: p.Leu1252Val; replaces leucine 1252 with valine.
Molecular consequence: missense variant.
Genome position (GRCh38, 1-based): chr16:1,210,044, C>G. VCF-style: chr16-1210044-C-G. GRCh37 (hg19) VCF-style: chr16-1260044-C-G.
Other names: c.3754C>G, p.Leu1252Val (NM_001005407.2); short protein forms L1252V.
Identifiers: ClinVar variation 2950819 (VCV002950819.3), dbSNP rs2548695335, ClinGen allele CA394175397.